The following is an entry in ClinVar:

ClinVar aggregate classification (germline): Pathogenic (1 of 4 stars; one submission).

Conditions:
Odonto-onycho-dermal dysplasia. Identifiers: Orphanet 2721, MedGen C0796093, MONDO:0009773, OMIM 257980.
Tooth agenesis, selective, 4 (STHAG4). Also called: SUCCEDANEOUS TEETH, AGENESIS OF; LATERAL INCISORS, ABSENCE OF; LATERAL INCISORS, PEGGED OR MISSING; TOOTH AGENESIS, SELECTIVE, 4, WITH OR WITHOUT ECTODERMAL DYSPLASIA. Identifiers: Orphanet 99798, MedGen C1835492, MONDO:0007881, OMIM 150400. Disease mechanism: loss of function.

Allele frequency attached by ClinVar (database versions not stated): gnomAD exomes below 0.00001.
gnomAD v4.1: 1 of 1,590,184 alleles (0.000063%); highest among the groups gnomAD compares: Non-Finnish European, 0.000085%; no homozygotes.

Submission:

Labcorp Genetics (formerly Invitae), Labcorp
Classification: Pathogenic for Tooth agenesis, selective, 4; Odonto-onycho-dermal dysplasia. Last evaluated: 2019-09-14. Review status: criteria provided, single submitter. Criteria: Invitae Variant Classification Sherloc (09022015). Collection method: clinical testing. Allele origin: germline.
Comment: For these reasons, this variant has been classified as Pathogenic. This variant disrupts the C-terminus of the WNT10A protein. Other variant(s) that disrupt this region (p.Cys376*) have been determined to be pathogenic (PMID: 19559398). This suggests that variants that disrupt this region of the protein are likely to be causative of disease. This variant has not been reported in the literature in individuals with WNT10A-related conditions. This variant is not present in population databases (ExAC no frequency). This sequence change results in a premature translational stop signal in the WNT10A gene (p.Trp277*). While this is not anticipated to result in nonsense mediated decay, it is expected to disrupt the last 141 amino acids of the WNT10A protein.

Literature cited by the submitters: PubMed 19559398.

NM_025216.3(WNT10A):c.830G>A (p.Trp277Ter)

Gene: WNT10A (Wnt family member 10A; plus strand). Cytogenetic location: 2q35.
Variant type: single nucleotide variant.
Coding change: c.830G>A on transcript NM_025216.3 (MANE Select); coding-DNA position 830, G replaced by A.
Protein change: p.Trp277Ter; replaces tryptophan 277 with a stop codon.
Molecular consequence: nonsense.
Genome position (GRCh38, 1-based): chr2:218,892,847, G>A. VCF-style: chr2-218892847-G-A. GRCh37 (hg19) VCF-style: chr2-219757569-G-A.
Other names: short protein forms W277*.
Identifiers: ClinVar variation 955942 (VCV000955942.10), dbSNP rs1332945612, ClinGen allele CA350589725.